The following is an entry in ClinVar:

NM_001297.5(CNGB1):c.2042C>G (p.Pro681Arg)

Gene: CNGB1 (cyclic nucleotide gated channel subunit beta 1; minus strand). Cytogenetic location: 16q21.
Variant type: single nucleotide variant.
Coding change: c.2042C>G on transcript NM_001297.5 (MANE Select); coding-DNA position 2042, C replaced by G.
Protein change: p.Pro681Arg; replaces proline 681 with arginine.
Molecular consequence: missense variant.
Genome position (GRCh38, 1-based): chr16:57,917,392, G>C on the plus strand (C>G on the coding strand, the complement: CNGB1 is on the minus strand). VCF-style: chr16-57917392-G-C. GRCh37 (hg19) VCF-style: chr16-57951296-G-C.
Other names: c.2024C>G, p.Pro675Arg (NM_001286130.2); short protein forms P681R, P675R.
Identifiers: ClinVar variation 1910852 (VCV001910852.5), dbSNP rs758706365, ClinGen allele CA8083191.

ClinVar aggregate classification (germline): Uncertain significance. Review status: criteria provided, multiple submitters, no conflicts (2 of 4 stars). 2 submissions from 2 submitters: Uncertain significance (2). Last evaluated 2024-01-12.

Allele frequency attached by ClinVar (database versions not stated): gnomAD 0.00001; TOPMed 0.00001.
gnomAD v4.1: 7 of 1,613,968 alleles (0.00043%); highest among the groups gnomAD compares: East Asian, 0.011%; no homozygotes.

Submissions (2):

Blueprint Genetics
Classification: Uncertain significance. Last evaluated: 2024-01-12. Review status: criteria provided, single submitter. Criteria: ACMG Guidelines, 2015. Collection method: clinical testing. Allele origin: germline.

Labcorp Genetics (formerly Invitae), Labcorp
Classification: Uncertain significance. Last evaluated: 2023-08-10. Review status: criteria provided, single submitter. Criteria: Invitae Variant Classification Sherloc (09022015). Collection method: clinical testing. Allele origin: germline.
Comment: Algorithms developed to predict the effect of sequence changes on RNA splicing suggest that this variant may disrupt the consensus splice site. Advanced modeling of protein sequence and biophysical properties (such as structural, functional, and spatial information, amino acid conservation, physicochemical variation, residue mobility, and thermodynamic stability) performed at Invitae indicates that this missense variant is expected to disrupt CNGB1 protein function. ClinVar contains an entry for this variant (Variation ID: 1910852). This variant has not been reported in the literature in individuals affected with CNGB1-related conditions. This variant is present in population databases (rs758706365, gnomAD 0.02%). This sequence change replaces proline, which is neutral and non-polar, with arginine, which is basic and polar, at codon 681 of the CNGB1 protein (p.Pro681Arg). In summary, the available evidence is currently insufficient to determine the role of this variant in disease. Therefore, it has been classified as a Variant of Uncertain Significance.